The following is an entry in ClinVar:

ClinVar aggregate classification (germline): Likely benign. Review status: criteria provided, multiple submitters, no conflicts (2 of 4 stars). 2 submissions from 2 submitters: Likely benign (2). Last evaluated 2025-03-05.

Conditions:
Mitochondrial complex II deficiency, nuclear type 1. Also called: SUCCINATE CoQ REDUCTASE DEFICIENCY. Identifiers: Orphanet 3208, MedGen C5700310, MONDO:0100294, OMIM 252011.
Pheochromocytoma/paraganglioma syndrome 5. Also called: SDHA-Related Hereditary Paraganglioma-Pheochromocytoma Syndrome; Paragangliomas 5. Identifiers: Orphanet 29072, MedGen C3279992, MONDO:0013602, OMIM 614165.

Allele frequency attached by ClinVar (database versions not stated): TOPMed below 0.00001; gnomAD 0.00001.

Submissions (2):

Labcorp Genetics (formerly Invitae), Labcorp
Classification: Likely benign for Pheochromocytoma/paraganglioma syndrome 5; Mitochondrial complex II deficiency, nuclear type 1. Last evaluated: 2025-03-05. Review status: criteria provided, single submitter. Criteria: Invitae Variant Classification Sherloc (09022015). Collection method: clinical testing. Allele origin: germline.

Myriad Genetics, Inc.
Classification: Likely benign for Pheochromocytoma/paraganglioma syndrome 5. Last evaluated: 2025-02-28. Review status: criteria provided, single submitter. Criteria: Myriad Autosomal Dominant, Autosomal Recessive and X-Linked Classification Criteria (2023). Collection method: clinical testing. Allele origin: unknown.
Comment: This variant is considered likely benign. This variant is intronic and is not expected to impact mRNA splicing.

NM_004168.4(SDHA):c.313-8G>A

Gene: SDHA (succinate dehydrogenase complex flavoprotein subunit A; plus strand). Cytogenetic location: 5p15.33.
Variant type: single nucleotide variant.
Coding change: c.313-8G>A on transcript NM_004168.4 (MANE Select); 8 bases into the intron before coding-DNA position 313, G replaced by A.
Molecular consequence: intron variant.
Genome position (GRCh38, 1-based): chr5:225,411, G>A. VCF-style: chr5-225411-G-A. GRCh37 (hg19) VCF-style: chr5-225526-G-A.
Other names: c.313-8G>A (NM_001330758.2); c.313-472G>A (NM_001294332.2).
Identifiers: ClinVar variation 412354 (VCV000412354.13), dbSNP rs1060503710, ClinGen allele CA16611864.